The following is an entry in ClinVar:

NM_139318.5(KCNH5):c.908A>G (p.Tyr303Cys)

Gene: KCNH5 (potassium voltage-gated channel subfamily H member 5; minus strand). Cytogenetic location: 14q23.2.
Variant type: single nucleotide variant.
Coding change: c.908A>G on transcript NM_139318.5 (MANE Select); coding-DNA position 908, A replaced by G.
Protein change: p.Tyr303Cys; replaces tyrosine 303 with cysteine.
Molecular consequence: missense variant.
Genome position (GRCh38, 1-based): chr14:62,980,906, T>C on the plus strand (A>G on the coding strand, the complement: KCNH5 is on the minus strand). VCF-style: chr14-62980906-T-C. GRCh37 (hg19) VCF-style: chr14-63447624-T-C.
Other names: c.908A>G, p.Tyr303Cys (NM_172375.3); short protein forms Y303C.
Identifiers: ClinVar variation 2713328 (VCV002713328.3), dbSNP rs2503044340, ClinGen allele CA390103867.

ClinVar aggregate classification (germline): Pathogenic (1 of 4 stars; one submission).

Conditions:
Early-infantile DEE. Also called: Early infantile epileptic encephalopathy with suppression bursts; Early infantile epileptic encephalopathy; Ohtahara syndrome. Identifiers: Orphanet 1934, MedGen C0393706, MONDO:0800491.

gnomAD v4.1: 1 of 1,614,062 alleles (0.000062%); highest among the groups gnomAD compares: Non-Finnish European, 0.000085%; no homozygotes.

Submission:

Labcorp Genetics (formerly Invitae), Labcorp
Classification: Pathogenic for Early-infantile DEE. Last evaluated: 2025-03-20. Review status: criteria provided, single submitter. Criteria: Invitae Variant Classification Sherloc (09022015). Collection method: clinical testing. Allele origin: germline.
Comment: This sequence change replaces tyrosine, which is neutral and polar, with cysteine, which is neutral and slightly polar, at codon 303 of the KCNH5 protein (p.Tyr303Cys). This variant is not present in population databases (gnomAD no frequency). This missense change has been observed in individual(s) with clinical features of KCNH5-related conditions (internal data). In at least one individual the variant was observed to be de novo. ClinVar contains an entry for this variant (Variation ID: 2713328). Invitae Evidence Modeling of protein sequence and biophysical properties (such as structural, functional, and spatial information, amino acid conservation, physicochemical variation, residue mobility, and thermodynamic stability) indicates that this missense variant is expected to disrupt KCNH5 protein function with a positive predictive value of 80%. For these reasons, this variant has been classified as Pathogenic.